The following is an entry in ClinVar:

ClinVar aggregate classification (germline): Likely benign. Review status: criteria provided, multiple submitters, no conflicts (2 of 4 stars). 2 submissions from 2 submitters: Likely benign (2). Last evaluated 2025-10-29.

Allele frequency attached by ClinVar (database versions not stated): ExAC 0.00001; gnomAD exomes 0.00001; gnomAD 0.00002; 1000 Genomes Project 0.00020; 1000 Genomes Project 30x 0.00031.
gnomAD v4.1: 13 of 1,613,498 alleles (0.00081%); highest among the groups gnomAD compares: Admixed American, 0.0067%; no homozygotes.

Submissions (2):

Mayo Clinic Laboratories, Mayo Clinic
Classification: Likely benign. Last evaluated: 2025-10-29. Review status: criteria provided, single submitter. Criteria: ACMG Guidelines, 2015. Collection method: clinical testing. Allele origin: germline. Observed: 1 variant allele.
Comment: BP4, BP7

Labcorp Genetics (formerly Invitae), Labcorp
Classification: Likely benign. Last evaluated: 2025-09-14. Review status: criteria provided, single submitter. Criteria: Invitae Variant Classification Sherloc (09022015). Collection method: clinical testing. Allele origin: germline.

NM_002317.7(LOX):c.642C>T (p.Asp214=)

Genes: LOX (lysyl oxidase; minus strand), SRFBP1 (serum response factor binding protein 1; plus strand). Cytogenetic location: 5q23.1.
Variant type: single nucleotide variant.
Coding change: c.642C>T on transcript NM_002317.7 (MANE Select); coding-DNA position 642, C replaced by T.
Protein change: p.Asp214=; no amino-acid change (aspartic acid 214 retained).
Molecular consequence: synonymous variant. On other transcripts: 5 prime UTR variant (1), intron variant (1).
Genome position (GRCh38, 1-based): chr5:122,076,991, G>A on the plus strand (C>T on the coding strand, the complement: LOX is on the minus strand). VCF-style: chr5-122076991-G-A. GRCh37 (hg19) VCF-style: chr5-121412686-G-A.
Other names: p.Asp214=; c.-49C>T (NM_001178102.2); c.-152+101C>T (NM_001317073.1).
Identifiers: ClinVar variation 1918973 (VCV001918973.6), dbSNP rs534087196, ClinGen allele CA3383974.